The following is an entry in ClinVar:

ClinVar aggregate classification (germline): Benign/Likely benign. Review status: criteria provided, multiple submitters, no conflicts (2 of 4 stars). 3 submissions from 2 submitters: Benign (2); Likely benign (1). Last evaluated 2018-07-31.

Conditions:
Autosomal dominant centronuclear myopathy. Also called: MYOTUBULAR MYOPATHY, AUTOSOMAL DOMINANT; Myopathy, centronuclear, 3. Identifiers: Orphanet 169189, MedGen C4551952, MeSH D020914, MONDO:0008048, OMIM 160150.
Charcot-Marie-Tooth disease dominant intermediate B (CMTDIB). Also called: CHARCOT-MARIE-TOOTH NEUROPATHY, DOMINANT INTERMEDIATE B; Charcot-Marie-Tooth disease dominant intermediate 1; CMT DI1; Charcot-Marie-Tooth disease dominant intermediate I. Identifiers: Orphanet 100044, Orphanet 228179, MedGen C1847902, MONDO:0011674, OMIM 606482.

Allele frequency attached by ClinVar (database versions not stated): gnomAD exomes 0.00121; ExAC 0.00181; 1000 Genomes Project 0.00459; ESP Exome Variant Server 0.00482; 1000 Genomes Project 30x 0.00500; gnomAD 0.00520 and 0.00550; TOPMed 0.00551.
gnomAD v4.1: 1,611 of 1,554,484 alleles (0.1%); highest among the groups gnomAD compares: African/African-American, 1.7%; 17 homozygotes.

Submissions (3):

GeneDx
Classification: Likely benign. Last evaluated: 2018-07-31. Review status: criteria provided, single submitter. Criteria: GeneDx Variant Classification Process June 2021. Collection method: clinical testing. Allele origin: germline. Affected: yes.

Illumina Laboratory Services, Illumina
Classification: Benign for Autosomal dominant centronuclear myopathy. Last evaluated: 2018-01-13. Review status: criteria provided, single submitter. Criteria: ICSL Variant Classification Criteria 13 December 2019. Collection method: clinical testing. Allele origin: germline.
Comment: This variant was observed in the ICSL laboratory as part of a predisposition screen in an ostensibly healthy population. It had not been previously curated by ICSL or reported in the Human Gene Mutation Database (HGMD: prior to June 1st, 2018), and was therefore a candidate for classification through an automated scoring system. Utilizing variant allele frequency, disease prevalence and penetrance estimates, and inheritance mode, an automated score was calculated to assess if this variant is too frequent to cause the disease. Based on the score and internal cut-off values, a variant classified as benign is not then subjected to further curation. The score for this variant resulted in a classification of benign for this disease.

Illumina Laboratory Services, Illumina
Classification: Benign for Charcot-Marie-Tooth disease dominant intermediate B. Last evaluated: 2018-01-13. Review status: criteria provided, single submitter. Criteria: ICSL Variant Classification Criteria 13 December 2019. Collection method: clinical testing. Allele origin: germline.
Comment: the same text as in the submission from Illumina Laboratory Services, Illumina above.

NM_001005361.3(DNM2):c.*47G>A

Gene: DNM2 (dynamin 2; plus strand). Cytogenetic location: 19p13.2.
Variant type: single nucleotide variant.
Coding change: c.*47G>A on transcript NM_001005361.3 (MANE Select); 47 bases downstream of the stop codon, G replaced by A.
Molecular consequence: 3 prime UTR variant.
Genome position (GRCh38, 1-based): chr19:10,831,094, G>A. VCF-style: chr19-10831094-G-A. GRCh37 (hg19) VCF-style: chr19-10941770-G-A.
Other names: c.*47G>A (NM_001005360.3, NM_001005362.3, NM_001190716.2 and 1 more transcripts).
Identifiers: ClinVar variation 327999 (VCV000327999.7), dbSNP rs367938944, ClinGen allele CA9201705.